The following is an entry in ClinVar:

NM_002168.4(IDH2):c.815A>G (p.Lys272Arg)

Gene: IDH2 (isocitrate dehydrogenase (NADP(+)) 2; minus strand). Cytogenetic location: 15q26.1.
Variant type: single nucleotide variant.
Coding change: c.815A>G on transcript NM_002168.4 (MANE Select); coding-DNA position 815, A replaced by G.
Protein change: p.Lys272Arg; replaces lysine 272 with arginine.
Molecular consequence: missense variant.
Genome position (GRCh38, 1-based): chr15:90,087,439, T>C on the plus strand (A>G on the coding strand, the complement: IDH2 is on the minus strand). VCF-style: chr15-90087439-T-C. GRCh37 (hg19) VCF-style: chr15-90630671-T-C.
Other names: c.659A>G, p.Lys220Arg (NM_001289910.1); c.425A>G, p.Lys142Arg (NM_001290114.2); short protein forms K142R, K220R, K272R.
Identifiers: ClinVar variation 4693584 (VCV004693584.1).
Genomic context (GRCh38, chr15:90,087,439, plus strand): 5'-GATGGGAACAGCATGGGGGGAAGGGAAGAAAGGCCACAGAGTACATGGATGAGGCTTTAC[T>C]TGTCAAAGATCTCCTGGAAGATGTCCTTGAAACGCCCATCGTAGGCTTTCAGTATGGTGT-3'
Protein context (NP_002159.2, residues 262-282): FKDIFQEIFD[Lys272Arg]HYKTDFDKNK

ClinVar aggregate classification (germline): Uncertain significance (1 of 4 stars; one submission).

Conditions:
D-2-hydroxyglutaric aciduria 2 (D2HGA2). Identifiers: Orphanet 79315, MedGen C3150909, MONDO:0013345, OMIM 613657.

Submission:

Labcorp Genetics (formerly Invitae), Labcorp
Classification: Uncertain significance for D-2-hydroxyglutaric aciduria 2. Last evaluated: 2025-10-10. Review status: criteria provided, single submitter. Criteria: Invitae Variant Classification Sherloc (09022015). Collection method: clinical testing. Allele origin: germline.
Comment: This sequence change replaces lysine, which is basic and polar, with arginine, which is basic and polar, at codon 272 of the IDH2 protein (p.Lys272Arg). This variant is present in population databases (rs773071767, gnomAD 0.006%). This variant has not been reported in the literature in individuals affected with IDH2-related conditions. An algorithm developed to predict the effect of missense changes on protein structure and function (PolyPhen-2) suggests that this variant is likely to be tolerated. In summary, the available evidence is currently insufficient to determine the role of this variant in disease. Therefore, it has been classified as a Variant of Uncertain Significance.